The following is an entry in ClinVar:

ClinVar aggregate classification (germline): Benign (1 of 4 stars; one submission).

Submission:

GeneDx
Classification: Benign. Last evaluated: 2018-06-19. Review status: criteria provided, single submitter. Criteria: GeneDx Variant Classification (06012015). Collection method: clinical testing. Allele origin: germline. Affected: yes.
Comment: This variant is considered likely benign or benign based on one or more of the following criteria: it is a conservative change, it occurs at a poorly conserved position in the protein, it is predicted to be benign by multiple in silico algorithms, and/or has population frequency not consistent with disease.

NM_025114.4(CEP290):c.4704+264del

Gene: CEP290 (centrosomal protein 290; minus strand). Cytogenetic location: 12q21.32.
Variant type: Deletion.
Coding change: c.4704+264del on transcript NM_025114.4 (MANE Select); 264 bases into the intron after coding-DNA position 4704, one base deleted (T; older notation c.4704+264delT).
Molecular consequence: intron variant.
Genome position (GRCh38, 1-based): chr12:88,084,322, A deleted on the plus strand (T on the coding strand, the reverse complement: CEP290 is on the minus strand); the first of 3 consecutive A bases (chr12:88,084,322-88,084,324); deleting any one gives the same sequence. VCF-style (leftmost placement, unchanged base first): chr12-88084321-TA-T. GRCh37 (hg19) VCF-style: chr12-88478098-TA-T.
Identifiers: ClinVar variation 668068 (VCV000668068.1), dbSNP rs5799853, ClinGen allele CA241157813.